The following is an entry in ClinVar:

NM_001001331.4(ATP2B2):c.2515del (p.Ile839fs)

Gene: ATP2B2 (ATPase plasma membrane Ca2+ transporting 2; minus strand). Cytogenetic location: 3p25.3.
Variant type: Deletion.
Coding change: c.2515del on transcript NM_001001331.4 (MANE Select); coding-DNA position 2515, one base deleted (A; older notation c.2515delA).
Protein change: p.Ile839fs; shifts the reading frame from isoleucine 839.
Molecular consequence: frameshift variant.
Genome position (GRCh38, 1-based): chr3:10,345,572, T deleted on the plus strand (A on the coding strand, the reverse complement: ATP2B2 is on the minus strand). VCF-style (leftmost placement, unchanged base first): chr3-10345571-AT-A. GRCh37 (hg19) VCF-style: chr3-10387255-AT-A.
Other names: c.2380del, p.Ile794fs (NM_001330611.3, NM_001353564.1, NM_001363862.1 and 1 more transcripts); short protein forms I794fs, I839fs.
Identifiers: ClinVar variation 3067646 (VCV003067646.21), dbSNP rs2470170430, ClinGen allele CA2825001171.

ClinVar aggregate classification (germline): Pathogenic (1 of 4 stars; one submission).

Submission:

CeGaT Center for Human Genetics Tuebingen
Classification: Pathogenic. Last evaluated: 2024-03-01. Review status: criteria provided, single submitter. Criteria: CeGaT Center For Human Genetics Tuebingen Variant Classification Criteria Version 2. Collection method: clinical testing. Allele origin: germline. Affected: yes. Observed: 1 variant allele.
Comment: ATP2B2: PVS1, PM2